The following is an entry in ClinVar:

ClinVar aggregate classification (germline): Pathogenic. Review status: criteria provided, multiple submitters, no conflicts (2 of 4 stars). 6 submissions from 6 submitters: Pathogenic (5). 1 of the submissions does not count toward it. Last evaluated 2025-07-07.

Conditions:
PCCB-related disorder. Also called: PCCB-related condition.
Propionic acidemia (PROP). Also called: GLYCINEMIA, KETOTIC; HYPERGLYCINEMIA WITH KETOACIDOSIS AND LEUKOPENIA; KETOTIC HYPERGLYCINEMIA. Identifiers: Orphanet 35, MedGen C0268579, MONDO:0011628, OMIM 606054, HP:0003571.

Submissions (6):

Natera, Inc.
Classification: Pathogenic for Propionic acidemia. Last evaluated: 2025-07-07. Review status: criteria provided, single submitter. Criteria: Natera Variant Classification Schema (03/2026). Collection method: clinical testing. Allele origin: germline.
Comment: The c.838dupC variant in PCCB is a frameshift variant predicted to shift the reading frame beginning at codon 280 and leads to a stop codon 11 codons downstream. This variant is expected to result in nonsense mediated decay, truncation, or a dysfunctional protein product. This variant is rare in the general population with a frequency below the threshold expected for the associated phenotype(s). This variant has been observed in one or more individuals affected with the associated recessive disease, as either homozygous or compound heterozygous with a second variant (PMID: 24863100). Given the available evidence, this variant is classified as Pathogenic.

Baylor Genetics
Classification: Pathogenic for Propionic acidemia. Last evaluated: 2024-03-25. Review status: criteria provided, single submitter. Criteria: ACMG Guidelines, 2015. Collection method: clinical testing. Allele origin: unknown.

Blueprint Genetics
Classification: Pathogenic for PCCB-related disorders. Last evaluated: 2023-09-14. Review status: criteria provided, single submitter. Criteria: ACMG Guidelines, 2015. Collection method: clinical testing. Allele origin: germline. Affected: yes. Observed: 1 variant allele.

Labcorp Genetics (formerly Invitae), Labcorp
Classification: Pathogenic for Propionic acidemia. Last evaluated: 2023-04-14. Review status: criteria provided, single submitter. Criteria: Invitae Variant Classification Sherloc (09022015). Collection method: clinical testing. Allele origin: germline.
Comment: ClinVar contains an entry for this variant (Variation ID: 552435). This premature translational stop signal has been observed in individual(s) with propionic acidemia (PMID: 24863100). In at least one individual the data is consistent with being in trans (on the opposite chromosome) from a pathogenic variant. This variant is present in population databases (rs769968548, gnomAD 0.006%). This sequence change creates a premature translational stop signal (p.Leu280Profs*11) in the PCCB gene. It is expected to result in an absent or disrupted protein product. Loss-of-function variants in PCCB are known to be pathogenic (PMID: 15464417). For these reasons, this variant has been classified as Pathogenic.

Juno Genomics, Hangzhou Juno Genomics, Inc
Classification: Pathogenic for Propionic acidemia. Review status: criteria provided, single submitter. Criteria: ACMG Guidelines, 2015. Collection method: clinical testing. Allele origin: germline.
Comment: Absent from controls (or at extremely low frequency if recessive) in Genome Aggregation Database.;Null variant in a gene where loss of function (LOF) is a known mechanism of disease.;For recessive disorders, detected in trans with a pathogenic variant.

Counsyl
Classification: Likely pathogenic for Propionic acidemia. Last evaluated: 2017-06-09. Review status: no assertion criteria provided. Collection method: clinical testing. Allele origin: unknown. Not counted in ClinVar's aggregate classification.

Literature cited by the submitters: PubMed 24863100 (cited by 3 submitters); PubMed 15464417 (cited by Labcorp Genetics (formerly Invitae), Labcorp).

NM_000532.5(PCCB):c.838dup (p.Leu280fs)

Gene: PCCB (propionyl-CoA carboxylase subunit beta; plus strand). Cytogenetic location: 3q22.3.
Variant type: Duplication.
Coding change: c.838dup on transcript NM_000532.5 (MANE Select); coding-DNA position 838, one base duplicated (C; older notation c.838dupC).
Protein change: p.Leu280fs; shifts the reading frame from leucine 280.
Molecular consequence: frameshift variant.
Genome position (GRCh38, 1-based): chr3:136,298,026, C duplicated; the last of 4 consecutive C bases (chr3:136,298,023-136,298,026); duplicating any one gives the same sequence. VCF-style (leftmost placement, unchanged base first): chr3-136298022-G-GC. GRCh37 (hg19) VCF-style: chr3-136016864-G-GC.
Other names: c.838dupC (NM_000532.4); c.898dup, p.Leu300fs (NM_001178014.2); short protein forms L280fs, L300fs.
Identifiers: ClinVar variation 552435 (VCV000552435.15), dbSNP rs769968548, ClinGen allele CA2631886.